The following is an entry in ClinVar:

ClinVar aggregate classification (germline): Uncertain significance (1 of 4 stars; one submission).

gnomAD v4.1: 1 of 1,611,330 alleles (0.000062%); highest among the groups gnomAD compares: African/African-American, 0.0013%; no homozygotes.

Submission:

Labcorp Genetics (formerly Invitae), Labcorp
Classification: Uncertain significance. Last evaluated: 2024-06-04. Review status: criteria provided, single submitter. Criteria: Invitae Variant Classification Sherloc (09022015). Collection method: clinical testing. Allele origin: germline.
Comment: This sequence change replaces glycine, which is neutral and non-polar, with glutamic acid, which is acidic and polar, at codon 1822 of the MTOR protein (p.Gly1822Glu). This variant is not present in population databases (gnomAD no frequency). This variant has not been reported in the literature in individuals affected with MTOR-related conditions. Advanced modeling of protein sequence and biophysical properties (such as structural, functional, and spatial information, amino acid conservation, physicochemical variation, residue mobility, and thermodynamic stability) performed at Invitae indicates that this missense variant is not expected to disrupt MTOR protein function with a negative predictive value of 95%. In summary, the available evidence is currently insufficient to determine the role of this variant in disease. Therefore, it has been classified as a Variant of Uncertain Significance.

NM_004958.4(MTOR):c.5465G>A (p.Gly1822Glu)

Gene: MTOR (mechanistic target of rapamycin kinase; minus strand). Cytogenetic location: 1p36.22.
Variant type: single nucleotide variant.
Coding change: c.5465G>A on transcript NM_004958.4 (MANE Select); coding-DNA position 5465, G replaced by A.
Protein change: p.Gly1822Glu; replaces glycine 1822 with glutamic acid.
Molecular consequence: missense variant.
Genome position (GRCh38, 1-based): chr1:11,130,677, C>T on the plus strand (G>A on the coding strand, the complement: MTOR is on the minus strand). VCF-style: chr1-11130677-C-T. GRCh37 (hg19) VCF-style: chr1-11190734-C-T.
Other names: c.5465G>A, p.Gly1822Glu (NM_001386500.1); c.4217G>A, p.Gly1406Glu (NM_001386501.1); short protein forms G1822E, G1406E.
Identifiers: ClinVar variation 3633481 (VCV003633481.2).